The following is an entry in ClinVar:

ClinVar aggregate classification (germline): Pathogenic/Likely pathogenic. Review status: criteria provided, multiple submitters, no conflicts (2 of 4 stars). 4 submissions from 4 submitters: Pathogenic (2); Likely pathogenic (2). Last evaluated 2026-01-20.

Conditions:
Infantile GM1 gangliosidosis. Also called: Gangliosidosis, Generalized GM1, Type 1; GM1-gangliosidosis, type I; Gangliosidosis, generalized GM1, infantile form; GLB1 deficiency; GM1 gangliosidosis type 1. Identifiers: Orphanet 354, Orphanet 79255, MedGen C0268271, MONDO:0009260, OMIM 230500.
GM1 gangliosidosis type 2. Also called: Juvenile GM>1< gangliosidosis; Gangliosidosis, Generalized GM1, Type 2; GM1-GANGLIOSIDOSIS, TYPE II; GANGLIOSIDOSIS, GENERALIZED GM1, JUVENILE TYPE; GANGLIOSIDOSIS, GENERALIZED GM1, TYPE II. Identifiers: Orphanet 354, Orphanet 79256, MedGen C0268272, MONDO:0009261, OMIM 230600.
GM1 gangliosidosis type 3. Also called: Beta-galactosidase deficiency; Adult GM1 gangliosidosis; Type 3 (adult) GM1 gangliosidosis; Gangliosidosis, Generalized GM1, Type 3; GM1-GANGLIOSIDOSIS, TYPE III; GANGLIOSIDOSIS, GENERALIZED GM1, ADULT TYPE. Identifiers: Orphanet 79257, MedGen C0268273, MONDO:0009262, OMIM 230650.
Mucopolysaccharidosis, MPS-IV-B (MPS4B). Also called: Mucopolysaccharidosis type 4B; Mucopolysaccharidosis Type IVB; Mucopolysaccharidosis type IV B; Mucopolysaccharidosis type IVB (Morquio); MPS IVB; MORQUIO SYNDROME B. Identifiers: Orphanet 309310, Orphanet 582, MedGen C0086652, MONDO:0009660, OMIM 253010.
GM1 gangliosidosis. Identifiers: Orphanet 354, MedGen C0085131, MONDO:0018149.

Allele frequency attached by ClinVar (database versions not stated): gnomAD 0.00001; gnomAD exomes 0.00001; ExAC 0.00002; TOPMed 0.00002.
gnomAD v4.1: 10 of 1,613,858 alleles (0.00062%); highest among the groups gnomAD compares: African/African-American, 0.004%; no homozygotes.

Submissions (4):

Natera, Inc.
Classification: Likely pathogenic for Mucopolysaccharidosis, MPS-IV-B. Last evaluated: 2026-01-20. Review status: criteria provided, single submitter. Criteria: Natera Variant Classification Schema (03/2026). Collection method: clinical testing. Allele origin: germline.
Comment: The c.443G>A variant in GLB1 is a missense variant predicted to cause substitution of arginine to histidine at amino acid 148. This variant is rare in the general population with a frequency below the threshold expected for the associated phenotype(s). This variant has been observed in one or more individuals affected with the associated recessive disease, as either homozygous or compound heterozygous with a second variant (PMID: 33737400, 30267299, 21497194). A different variant at the same position has been determined to be Pathogenic or Likely Pathogenic. Computational prediction algorithms indicate this variant is likely to affect gene or protein function. Given the available evidence, this variant is classified as Likely Pathogenic.

Labcorp Genetics (formerly Invitae), Labcorp
Classification: Pathogenic for Mucopolysaccharidosis, MPS-IV-B; GM1 gangliosidosis. Last evaluated: 2024-04-18. Review status: criteria provided, single submitter. Criteria: Invitae Variant Classification Sherloc (09022015). Collection method: clinical testing. Allele origin: germline.
Comment: This sequence change replaces arginine, which is basic and polar, with histidine, which is basic and polar, at codon 148 of the GLB1 protein (p.Arg148His). This variant is present in population databases (rs745864233, gnomAD 0.008%). This missense change has been observed in individual(s) with GM1 gangliosidosis (PMID: 21497194, 30267299). ClinVar contains an entry for this variant (Variation ID: 522884). Advanced modeling of protein sequence and biophysical properties (such as structural, functional, and spatial information, amino acid conservation, physicochemical variation, residue mobility, and thermodynamic stability) performed at Invitae indicates that this missense variant is expected to disrupt GLB1 protein function with a positive predictive value of 95%. This variant disrupts the p.Arg148 amino acid residue in GLB1. Other variant(s) that disrupt this residue have been determined to be pathogenic (PMID: 15986423, 17221873, 23151865, 25936995). This suggests that this residue is clinically significant, and that variants that disrupt this residue are likely to be disease-causing. For these reasons, this variant has been classified as Pathogenic.

Fulgent Genetics
Classification: Likely pathogenic for Infantile GM1 gangliosidosis; GM1 gangliosidosis type 2; GM1 gangliosidosis type 3; Mucopolysaccharidosis, MPS-IV-B. Last evaluated: 2018-10-31. Review status: criteria provided, single submitter. Criteria: ACMG Guidelines, 2015. Collection method: clinical testing. Allele origin: unknown.

Genomic Research Center, Shahid Beheshti University of Medical Sciences
Classification: Pathogenic for Mucopolysaccharidosis, MPS-IV-B. Last evaluated: 2017-12-18. Review status: criteria provided, single submitter. Criteria: ACMG Guidelines, 2015. Collection method: clinical testing. Allele origin: inherited. Affected: yes. Observed: 2 variant alleles.

Literature cited by the submitters: PubMed 33737400 (cited by Natera, Inc.); PubMed 30267299 (cited by Natera, Inc. and Labcorp Genetics (formerly Invitae), Labcorp); PubMed 21497194 (cited by Natera, Inc. and Labcorp Genetics (formerly Invitae), Labcorp); PubMed 15986423 (cited by Labcorp Genetics (formerly Invitae), Labcorp); PubMed 17221873 (cited by Labcorp Genetics (formerly Invitae), Labcorp); PubMed 23151865 (cited by Labcorp Genetics (formerly Invitae), Labcorp); PubMed 25936995 (cited by Labcorp Genetics (formerly Invitae), Labcorp).

NM_000404.4(GLB1):c.443G>A (p.Arg148His)

Gene: GLB1 (galactosidase beta 1; minus strand). Cytogenetic location: 3p22.3.
Variant type: single nucleotide variant.
Coding change: c.443G>A on transcript NM_000404.4 (MANE Select); coding-DNA position 443, G replaced by A.
Protein change: p.Arg148His; replaces arginine 148 with histidine.
Molecular consequence: missense variant. On other transcripts: intron variant (1).
Genome position (GRCh38, 1-based): chr3:33,068,244, C>T on the plus strand (G>A on the coding strand, the complement: GLB1 is on the minus strand). VCF-style: chr3-33068244-C-T. GRCh37 (hg19) VCF-style: chr3-33109736-C-T.
Other names: c.353G>A, p.Arg118His (NM_001079811.3); c.587G>A, p.Arg196His (NM_001317040.2); c.443G>A, p.Arg148His (NM_001393580.1); c.246-2687G>A (NM_001135602.3); short protein forms R148H, R118H, R196H.
Identifiers: ClinVar variation 522884 (VCV000522884.14), dbSNP rs745864233, ClinGen allele CA2299702.
Genomic context (GRCh38, chr3:33,068,244, plus strand): 5'-GGCTGAAGCTTTTATAAATCTTCTCAAGACATCTGTAACAACCTACCTGGGTCGGAGGAG[C>T]GGAGAAGAATAGACTCTTTCTCTAGCAGCCAAGCAGGTAATCCTCCCTAGTTCAGGGAAA-3'
Protein context (NP_000395.3, residues 138-158): WLLEKESILL[Arg148His]SSDPDYLAAV